The following is an entry in ClinVar:

NM_006231.4(POLE):c.5965G>C (p.Ala1989Pro)

Gene: POLE (DNA polymerase epsilon, catalytic subunit; minus strand). Cytogenetic location: 12q24.33.
Variant type: single nucleotide variant.
Coding change: c.5965G>C on transcript NM_006231.4 (MANE Select); coding-DNA position 5965, G replaced by C.
Protein change: p.Ala1989Pro; replaces alanine 1989 with proline.
Molecular consequence: missense variant.
Genome position (GRCh38, 1-based): chr12:132,634,225, C>G on the plus strand (G>C on the coding strand, the complement: POLE is on the minus strand). VCF-style: chr12-132634225-C-G. GRCh37 (hg19) VCF-style: chr12-133210811-C-G.
Other names: c.5965G>C (NM_006231.2); short protein forms A1989P.
Identifiers: ClinVar variation 962015 (VCV000962015.8), dbSNP rs2041989730, ClinGen allele CA387371487.
Genomic context (GRCh38, chr12:132,634,225, plus strand): 5'-AGCCCTGGGCTCTGGGCTTACCTGAAACAATCATGAGGAAGTAGTTCTGGCAGGAGGCTG[C>G]CTGTGGCAAAAACTGCAAAATGTTCCAGTTGTTTTCCAGTAAATCCTCCACGTTGGATTC-3'
Protein context (NP_006222.2, residues 1979-1999): NWNILQFLPQ[Ala1989Pro]ASCQNYFLMI

ClinVar aggregate classification (germline): Uncertain significance. Review status: criteria provided, multiple submitters, no conflicts (2 of 4 stars). 2 submissions from 2 submitters: Uncertain significance (2). Last evaluated 2025-11-18.

Conditions:
Hereditary cancer-predisposing syndrome. Also called: Tumor predisposition; Hereditary neoplastic syndrome; Hereditary Cancer Syndrome; Neoplastic Syndromes, Hereditary. Identifiers: Orphanet 140162, MedGen C0027672, MeSH D009386, MONDO:0015356.

Allele frequency attached by ClinVar (database versions not stated): gnomAD exomes below 0.00001; TOPMed 0.00001.
gnomAD v4.1: 2 of 1,614,006 alleles (0.00012%); highest among the groups gnomAD compares: Non-Finnish European, 0.00017%; no homozygotes.

Submissions (2):

Labcorp Genetics (formerly Invitae), Labcorp
Classification: Uncertain significance. Last evaluated: 2025-11-18. Review status: criteria provided, single submitter. Criteria: Invitae Variant Classification Sherloc (09022015). Collection method: clinical testing. Allele origin: germline.
Comment: This sequence change replaces alanine, which is neutral and non-polar, with proline, which is neutral and non-polar, at codon 1989 of the POLE protein (p.Ala1989Pro). This variant is not present in population databases (gnomAD no frequency). This variant has not been reported in the literature in individuals affected with POLE-related conditions. ClinVar contains an entry for this variant (Variation ID: 962015). Invitae Evidence Modeling of protein sequence and biophysical properties (such as structural, functional, and spatial information, amino acid conservation, physicochemical variation, residue mobility, and thermodynamic stability) indicates that this missense variant is not expected to disrupt POLE protein function with a negative predictive value of 80%. In summary, the available evidence is currently insufficient to determine the role of this variant in disease. Therefore, it has been classified as a Variant of Uncertain Significance.

Ambry Genetics
Classification: Uncertain significance for Hereditary cancer-predisposing syndrome. Last evaluated: 2023-12-16. Review status: criteria provided, single submitter. Criteria: Ambry Variant Classification Scheme 2023. Collection method: clinical testing. Allele origin: germline.
Comment: The p.A1989P variant (also known as c.5965G>C), located in coding exon 43 of the POLE gene, results from a G to C substitution at nucleotide position 5965. The alanine at codon 1989 is replaced by proline, an amino acid with highly similar properties. This amino acid position is conserved. In addition, this alteration is predicted to be tolerated by in silico analysis. Since supporting evidence is limited at this time, the clinical significance of this alteration remains unclear.